The following is an entry in ClinVar:

NM_001384474.1(LOXHD1):c.5330del (p.Asn1777fs)

Gene: LOXHD1 (lipoxygenase homology PLAT domains 1; minus strand). Cytogenetic location: 18q21.1.
Variant type: Deletion.
Coding change: c.5330del on transcript NM_001384474.1 (MANE Select); coding-DNA position 5330, one base deleted (A; older notation c.5330delA).
Protein change: p.Asn1777fs; shifts the reading frame from asparagine 1777.
Molecular consequence: frameshift variant.
Genome position (GRCh38, 1-based): chr18:46,518,198, T deleted on the plus strand (A on the coding strand, the reverse complement: LOXHD1 is on the minus strand); the first of 2 consecutive T bases (chr18:46,518,198-46,518,199); deleting either gives the same sequence. VCF-style (leftmost placement, unchanged base first): chr18-46518197-GT-G. GRCh37 (hg19) VCF-style: chr18-44098160-GT-G.
Other names: c.1997del, p.Asn666fs (NM_001145472.3); c.47del, p.Asn16fs (NM_001145473.3, NM_001173129.2); c.1709del, p.Asn570fs (NM_001308013.2); c.5144del, p.Asn1715fs (NM_144612.7); c.5144delA (NM_144612.6); short protein forms N16fs, N1715fs, N1777fs, N570fs, N666fs.
Identifiers: ClinVar variation 1064937 (VCV001064937.9), dbSNP rs776345911, ClinGen allele CA299799669.

ClinVar aggregate classification (germline): Pathogenic/Likely pathogenic. Review status: criteria provided, multiple submitters, no conflicts (2 of 4 stars). 5 submissions from 5 submitters: Pathogenic (3); Likely pathogenic (2). Last evaluated 2025-11-13.

Conditions:
Autosomal recessive nonsyndromic hearing loss 77. Identifiers: Orphanet 90636, MedGen C2746083, MONDO:0013119, OMIM 613079.
Hearing impairment. Also called: Impaired Hearing. Identifiers: MedGen C1384666, MONDO:0005365, HP:0000365.

Submissions (5):

Myriad Genetics, Inc.
Classification: Pathogenic for Autosomal recessive nonsyndromic hearing loss 77. Last evaluated: 2025-11-13. Review status: criteria provided, single submitter. Criteria: Myriad Autosomal Dominant, Autosomal Recessive and X-Linked Classification Criteria (2023). Collection method: clinical testing. Allele origin: unknown.
Comment: NM_144612.6(LOXHD1):c.5144delA(N1715Tfs*4) is a frameshift variant classified as pathogenic in the context of nonsyndromic hearing loss, LOXHD1-related. N1715Tfs*4 has been observed in a case with relevant disease (PMID: 34753855). Relevant functional assessments of this variant are not available in the literature. N1715Tfs*4 has been observed in referenced population frequency databases. In summary, NM_144612.6(LOXHD1):c.5144delA(N1715Tfs*4) is a frameshift variant in a gene where loss of function is a known mechanism of disease, is predicted to disrupt protein function, and has been observed more frequently in cases with the relevant disease than in healthy populations. Please note: this variant was assessed in the context of healthy population screening.

Natera, Inc.
Classification: Pathogenic for Autosomal recessive deafness type 77. Last evaluated: 2024-12-16. Review status: criteria provided, single submitter. Criteria: Natera Variant Classification Schema (03/2026). Collection method: clinical testing. Allele origin: germline.
Comment: The c.5144delA variant in LOXHD1 is a frameshift variant predicted to shift the reading frame beginning at codon 1715 and leads to a stop codon 4 codons downstream. This variant is expected to result in nonsense mediated decay, truncation, or a dysfunctional protein product. This variant is rare in the general population with a frequency below the threshold expected for the associated phenotype(s). This variant has been observed in one or more individuals affected with the associated recessive disease, as either homozygous or compound heterozygous with a second variant (PMID: 34753855). Given the available evidence, this variant is classified as Pathogenic.

Labcorp Genetics (formerly Invitae), Labcorp
Classification: Pathogenic. Last evaluated: 2024-02-16. Review status: criteria provided, single submitter. Criteria: Invitae Variant Classification Sherloc (09022015). Collection method: clinical testing. Allele origin: germline.
Comment: This sequence change creates a premature translational stop signal (p.Asn1715Thrfs*4) in the LOXHD1 gene. It is expected to result in an absent or disrupted protein product. Loss-of-function variants in LOXHD1 are known to be pathogenic (PMID: 19732867, 21465660, 25792669). This variant is present in population databases (rs776345911, gnomAD 0.003%). This variant has not been reported in the literature in individuals affected with LOXHD1-related conditions. ClinVar contains an entry for this variant (Variation ID: 1064937). For these reasons, this variant has been classified as Pathogenic.

Fulgent Genetics
Classification: Likely pathogenic for Autosomal recessive nonsyndromic hearing loss 77. Last evaluated: 2022-03-11. Review status: criteria provided, single submitter. Criteria: ACMG Guidelines, 2015. Collection method: clinical testing. Allele origin: unknown.

Department of Otolaryngology – Head & Neck Surgery, Cochlear Implant Center
Classification: Likely pathogenic for Hearing impairment. Last evaluated: 2021-04-12. Review status: criteria provided, single submitter. Criteria: ClinGen HL ACMG Specifications v1. Collection method: clinical testing. Allele origin: germline. Affected: yes.
Comment: PVS1_Strong, PM2_Moderate

Literature cited by the submitters: PubMed 34753855 (cited by Myriad Genetics, Inc. and Natera, Inc.); PubMed 19732867 (cited by Labcorp Genetics (formerly Invitae), Labcorp); PubMed 21465660 (cited by Labcorp Genetics (formerly Invitae), Labcorp); PubMed 25792669 (cited by Labcorp Genetics (formerly Invitae), Labcorp).